The following is an entry in ClinVar:

ClinVar aggregate classification (germline): Likely pathogenic. Review status: criteria provided, multiple submitters, no conflicts (2 of 4 stars). 2 submissions from 2 submitters: Likely pathogenic (2). Last evaluated 2023-08-10.

Conditions:
Congenital myotonia, autosomal recessive form. Also called: BECKER DISEASE; Becker Generalized Myotonia; myotonia congenita, autosomal recessive. Identifiers: Orphanet 614, MedGen C0751360, MONDO:0009715, OMIM 255700.
Congenital myotonia, autosomal dominant form (THD). Also called: THOMSEN DISEASE; Myotonia congenita autosomal dominant. Identifiers: Orphanet 614, MedGen C2936781, MONDO:0008055, OMIM 160800.

Allele frequency attached by ClinVar (database versions not stated): gnomAD exomes below 0.00001; ExAC 0.00001.
gnomAD v4.1: 1 of 1,608,680 alleles (0.000062%); highest among the groups gnomAD compares: South Asian, 0.0011%; no homozygotes.

Submissions (2):

Labcorp Genetics (formerly Invitae), Labcorp
Classification: Likely pathogenic for Congenital myotonia, autosomal recessive form; Congenital myotonia, autosomal dominant form. Last evaluated: 2023-08-10. Review status: criteria provided, single submitter. Criteria: Invitae Variant Classification Sherloc (09022015). Collection method: clinical testing. Allele origin: germline.
Comment: This sequence change affects an acceptor splice site in intron 5 of the CLCN1 gene. It is expected to disrupt RNA splicing. Variants that disrupt the donor or acceptor splice site typically lead to a loss of protein function (PMID: 16199547), and loss-of-function variants in CLCN1 are known to be pathogenic (PMID: 17932099, 22094069, 23739125). This variant is present in population databases (rs773025750, gnomAD 0.003%). In summary, the currently available evidence indicates that the variant is pathogenic, but additional data are needed to prove that conclusively. Therefore, this variant has been classified as Likely Pathogenic. Algorithms developed to predict the effect of sequence changes on RNA splicing suggest that this variant may disrupt the consensus splice site. ClinVar contains an entry for this variant (Variation ID: 1324086). This variant has not been reported in the literature in individuals affected with CLCN1-related conditions.

Revvity Omics, Revvity
Classification: Likely pathogenic. Last evaluated: 2021-07-06. Review status: criteria provided, single submitter. Criteria: ACMG Guidelines, 2015. Collection method: clinical testing. Allele origin: germline.

Literature cited by the submitters: PubMed 16199547 (cited by Labcorp Genetics (formerly Invitae), Labcorp); PubMed 17932099 (cited by Labcorp Genetics (formerly Invitae), Labcorp); PubMed 22094069 (cited by Labcorp Genetics (formerly Invitae), Labcorp); PubMed 23739125 (cited by Labcorp Genetics (formerly Invitae), Labcorp).

NM_000083.3(CLCN1):c.697-1G>C

Gene: CLCN1 (chloride voltage-gated channel 1; plus strand). Cytogenetic location: 7q34.
Variant type: single nucleotide variant.
Coding change: c.697-1G>C on transcript NM_000083.3 (MANE Select); the canonical splice acceptor site of the intron before coding-DNA position 697, G replaced by C.
Molecular consequence: splice acceptor variant.
Genome position (GRCh38, 1-based): chr7:143,323,308, G>C. VCF-style: chr7-143323308-G-C. GRCh37 (hg19) VCF-style: chr7-143020401-G-C.
Identifiers: ClinVar variation 1324086 (VCV001324086.7), dbSNP rs773025750, ClinGen allele CA4537055.